The following is an entry in ClinVar:

ClinVar aggregate classification (germline): Likely pathogenic (1 of 4 stars; one submission).

Conditions:
Severe combined immunodeficiency due to IKK2 deficiency. Also called: Immunodeficiency 15; IMMUNODEFICIENCY 15B. Identifiers: Orphanet 397787, MedGen C4747743, MONDO:0014267, OMIM 615592.

Submission:

Dubai Health Genomic Medicine Center, Dubai Health
Classification: Likely pathogenic for Immunodeficiency 15B. Last evaluated: 2024-10-04. Review status: criteria provided, single submitter. Criteria: ACMG Guidelines, 2015. Collection method: research. Allele origin: germline. Affected: yes.
Comment: PVS1,PM2

NM_001556.3(IKBKB):c.849G>A (p.Trp283Ter)

Gene: IKBKB (inhibitor of nuclear factor kappa B kinase subunit beta; plus strand). Cytogenetic location: 8p11.21.
Variant type: single nucleotide variant.
Coding change: c.849G>A on transcript NM_001556.3 (MANE Select); coding-DNA position 849, G replaced by A.
Protein change: p.Trp283Ter; replaces tryptophan 283 with a stop codon.
Molecular consequence: nonsense. On other transcripts: non-coding transcript variant (3).
Genome position (GRCh38, 1-based): chr8:42,316,258, G>A. VCF-style: chr8-42316258-G-A. GRCh37 (hg19) VCF-style: chr8-42173776-G-A.
Other names: c.657G>A, p.Trp219Ter (NM_001190720.3); c.672G>A, p.Trp224Ter (NM_001242778.2); short protein forms W219*, W224*, W283*.
Identifiers: ClinVar variation 3384120 (VCV003384120.1).
Genomic context (GRCh38, chr8:42,316,258, plus strand): 5'-TCCTCTCCACAGTGTCCTGGCTGAGCGACTGGAGAAGTGGCTGCAACTGATGCTGATGTG[G>A]CACCCCCGACAGAGGGGCACGGATCCCACGTATGGGCCCAATGGCTGCTTCAAGGCCCTG-3'